The following is an entry in ClinVar:

ClinVar aggregate classification (germline): Uncertain significance (1 of 4 stars; one submission).

Conditions:
Noonan syndrome 9 (NS9). Identifiers: Orphanet 648, MedGen C4225282, MONDO:0014691, OMIM 616559.

Allele frequency attached by ClinVar (database versions not stated): ExAC 0.00001.
gnomAD v4.1: 5 of 1,594,156 alleles (0.00031%); highest among the groups gnomAD compares: East Asian, 0.011%; no homozygotes.

Submission:

Labcorp Genetics (formerly Invitae), Labcorp
Classification: Uncertain significance for Noonan syndrome 9. Last evaluated: 2025-10-09. Review status: criteria provided, single submitter. Criteria: Invitae Variant Classification Sherloc (09022015). Collection method: clinical testing. Allele origin: germline.
Comment: This sequence change replaces aspartic acid, which is acidic and polar, with asparagine, which is neutral and polar, at codon 239 of the SOS2 protein (p.Asp239Asn). This variant is present in population databases (rs781461999, gnomAD 0.02%). This variant has not been reported in the literature in individuals affected with SOS2-related conditions. ClinVar contains an entry for this variant (Variation ID: 2156184). Invitae Evidence Modeling of protein sequence and biophysical properties (such as structural, functional, and spatial information, amino acid conservation, physicochemical variation, residue mobility, and thermodynamic stability) indicates that this missense variant is not expected to disrupt SOS2 protein function with a negative predictive value of 95%. In summary, the available evidence is currently insufficient to determine the role of this variant in disease. Therefore, it has been classified as a Variant of Uncertain Significance.

NM_006939.4(SOS2):c.715G>A (p.Asp239Asn)

Gene: SOS2 (SOS Ras/Rho guanine nucleotide exchange factor 2; minus strand). Cytogenetic location: 14q21.3.
Variant type: single nucleotide variant.
Coding change: c.715G>A on transcript NM_006939.4 (MANE Select); coding-DNA position 715, G replaced by A.
Protein change: p.Asp239Asn; replaces aspartic acid 239 with asparagine.
Molecular consequence: missense variant.
Genome position (GRCh38, 1-based): chr14:50,182,606, C>T on the plus strand (G>A on the coding strand, the complement: SOS2 is on the minus strand). VCF-style: chr14-50182606-C-T. GRCh37 (hg19) VCF-style: chr14-50649324-C-T.
Other names: c.715G>A, p.Asp239Asn (NM_001411020.1); short protein forms D239N.
Identifiers: ClinVar variation 2156184 (VCV002156184.4), dbSNP rs781461999, ClinGen allele CA7177457.